The following is an entry in ClinVar:

ClinVar aggregate classification (germline): Likely benign. Review status: criteria provided, multiple submitters, no conflicts (2 of 4 stars). 2 submissions from 2 submitters: Likely benign (2). Last evaluated 2026-05-01.

Conditions:
Combined immunodeficiency due to LRBA deficiency. Also called: Common variable immunodeficiency 8, with autoimmunity. Identifiers: Orphanet 445018, MedGen C3553512, MONDO:0013863, OMIM 614700.

Allele frequency attached by ClinVar (database versions not stated): TOPMed 0.00002; gnomAD exomes 0.00003; gnomAD 0.00001.
gnomAD v4.1: 38 of 1,585,748 alleles (0.0024%); highest among the groups gnomAD compares: Non-Finnish European, 0.0033%; no homozygotes.

Submissions (2):

CeGaT Center for Human Genetics Tuebingen
Classification: Likely benign. Last evaluated: 2026-05-01. Review status: criteria provided, single submitter. Criteria: CeGaT Center For Human Genetics Tuebingen Variant Classification Criteria Version 2. Collection method: clinical testing. Allele origin: germline. Affected: yes. Observed: 1 variant allele.
Comment: LRBA: BP4, BP7

Labcorp Genetics (formerly Invitae), Labcorp
Classification: Likely benign for Combined immunodeficiency due to LRBA deficiency. Last evaluated: 2026-01-18. Review status: criteria provided, single submitter. Criteria: Invitae Variant Classification Sherloc (09022015). Collection method: clinical testing. Allele origin: germline.

NM_001364905.1(LRBA):c.2799C>T (p.Ala933=)

Gene: LRBA (LPS responsive beige-like anchor protein; minus strand). Cytogenetic location: 4q31.3.
Variant type: single nucleotide variant.
Coding change: c.2799C>T on transcript NM_001364905.1 (MANE Select); coding-DNA position 2799, C replaced by T.
Protein change: p.Ala933=; no amino-acid change (alanine 933 retained).
Molecular consequence: synonymous variant.
Genome position (GRCh38, 1-based): chr4:150,852,911, G>A on the plus strand (C>T on the coding strand, the complement: LRBA is on the minus strand). VCF-style: chr4-150852911-G-A. GRCh37 (hg19) VCF-style: chr4-151774063-G-A.
Other names: c.2799C>T, p.Ala933= (NM_001199282.3, NM_001367550.1, NM_006726.5).
Identifiers: ClinVar variation 1972305 (VCV001972305.7), dbSNP rs1032837842, ClinGen allele CA107814839.
Genomic context (GRCh38, chr4:150,852,911, plus strand): 5'-AGTTGAAGAACACAGCCCTATTTCTTCATCAACTTTTCCTTGCTGTTCCCTAAATATATT[G>A]GCAAGGTTTTCTTTGTGTATTTCAAAAGTGACCTAGGTGAAAAATGTACAATCAGTTAAA-3'
Protein context (NP_001351834.1, residues 923-943): VTFEIHKENL[Ala933=]NIFREQQGKV